The following is an entry in ClinVar:

ClinVar aggregate classification (germline): Uncertain significance (1 of 4 stars; one submission).

Submission:

Labcorp Genetics (formerly Invitae), Labcorp
Classification: Uncertain significance. Last evaluated: 2022-09-03. Review status: criteria provided, single submitter. Criteria: Invitae Variant Classification Sherloc (09022015). Collection method: clinical testing. Allele origin: germline.
Comment: This sequence change replaces phenylalanine, which is neutral and non-polar, with leucine, which is neutral and non-polar, at codon 874 of the PITPNM3 protein (p.Phe874Leu). In summary, the available evidence is currently insufficient to determine the role of this variant in disease. Therefore, it has been classified as a Variant of Uncertain Significance. Algorithms developed to predict the effect of missense changes on protein structure and function (SIFT, PolyPhen-2, Align-GVGD) all suggest that this variant is likely to be tolerated. This variant has not been reported in the literature in individuals affected with PITPNM3-related conditions. This variant is not present in population databases (gnomAD no frequency).

NM_031220.4(PITPNM3):c.2622C>G (p.Phe874Leu)

Gene: PITPNM3 (PITPNM family member 3; minus strand). Cytogenetic location: 17p13.2.
Variant type: single nucleotide variant.
Coding change: c.2622C>G on transcript NM_031220.4 (MANE Select); coding-DNA position 2622, C replaced by G.
Protein change: p.Phe874Leu; replaces phenylalanine 874 with leucine.
Molecular consequence: missense variant.
Genome position (GRCh38, 1-based): chr17:6,455,641, G>C on the plus strand (C>G on the coding strand, the complement: PITPNM3 is on the minus strand). VCF-style: chr17-6455641-G-C. GRCh37 (hg19) VCF-style: chr17-6358961-G-C.
Other names: c.2514C>G, p.Phe838Leu (NM_001165966.2); short protein forms F838L, F874L.
Identifiers: ClinVar variation 1718728 (VCV001718728.5), dbSNP rs759296731, ClinGen allele CA397401302.